The following is an entry in ClinVar:

ClinVar aggregate classification (germline): Pathogenic (1 of 4 stars; one submission).

Conditions:
Atelosteogenesis type II (AO2). Also called: NEONATAL OSSEOUS DYSPLASIA I; SLC26A2-Related Atelosteogenesis; Neonatal osseous dysplasia 1. Identifiers: Orphanet 56304, MedGen C1850554, MONDO:0009727, OMIM 256050.
Achondrogenesis, type IB (ACG1B). Also called: Achondrogenesis Type 1B. Identifiers: Orphanet 932, Orphanet 93298, MedGen C0265274, MONDO:0010966, OMIM 600972.
Diastrophic dysplasia (DTD). Also called: Diastrophic dwarfism. Identifiers: Orphanet 628, MedGen C0220726, MONDO:0009107, OMIM 222600.
Multiple epiphyseal dysplasia type 4 (EDM4). Also called: Multiple Epiphyseal Dysplasia, Recessive; MULTIPLE EPIPHYSEAL DYSPLASIA WITH BILAYERED PATELLAE; MULTIPLE EPIPHYSEAL DYSPLASIA WITH CLUBFOOT; MULTIPLE EPIPHYSEAL DYSPLASIA, AUTOSOMAL RECESSIVE; SLC26A2-Related Multiple Epiphyseal Dysplasia. Identifiers: Orphanet 93307, MedGen C1847593, MONDO:0009189, OMIM 226900.

Allele frequency attached by ClinVar (database versions not stated): gnomAD exomes below 0.00001; gnomAD 0.00001.
gnomAD v4.1: 2 of 1,613,570 alleles (0.00012%); highest among the groups gnomAD compares: Admixed American, 0.0033%; no homozygotes.

Submission:

Labcorp Genetics (formerly Invitae), Labcorp
Classification: Pathogenic for Atelosteogenesis type II; Multiple epiphyseal dysplasia type 4; Achondrogenesis, type IB; Diastrophic dysplasia. Last evaluated: 2024-01-04. Review status: criteria provided, single submitter. Criteria: Invitae Variant Classification Sherloc (09022015). Collection method: clinical testing. Allele origin: germline.
Comment: This sequence change creates a premature translational stop signal (p.Ser35*) in the SLC26A2 gene. It is expected to result in an absent or disrupted protein product. Loss-of-function variants in SLC26A2 are known to be pathogenic (PMID: 7923357, 10482955, 11241838). This variant is not present in population databases (gnomAD no frequency). This variant has not been reported in the literature in individuals affected with SLC26A2-related conditions. ClinVar contains an entry for this variant (Variation ID: 2033441). For these reasons, this variant has been classified as Pathogenic.

Literature cited by the submitters: PubMed 7923357; PubMed 10482955; PubMed 11241838.

NM_000112.4(SLC26A2):c.104C>G (p.Ser35Ter)

Gene: SLC26A2 (solute carrier family 26 member 2; plus strand). Cytogenetic location: 5q32.
Variant type: single nucleotide variant.
Coding change: c.104C>G on transcript NM_000112.4 (MANE Select); coding-DNA position 104, C replaced by G.
Protein change: p.Ser35Ter; replaces serine 35 with a stop codon.
Molecular consequence: nonsense.
Genome position (GRCh38, 1-based): chr5:149,977,756, C>G. VCF-style: chr5-149977756-C-G. GRCh37 (hg19) VCF-style: chr5-149357319-C-G.
Other names: short protein forms S35*.
Identifiers: ClinVar variation 2033441 (VCV002033441.4), dbSNP rs1755017552, ClinGen allele CA361703990.